The following is an entry in ClinVar:

ClinVar aggregate classification (germline): Benign (1 of 4 stars; one submission).

Allele frequency attached by ClinVar (database versions not stated): gnomAD 0.12447 and 0.12484; TOPMed 0.13123; 1000 Genomes Project 30x 0.14694.

Submissions (4):

GeneDx
Classification: Benign. Last evaluated: 2018-06-14. Review status: criteria provided, single submitter. Criteria: GeneDx Variant Classification (06012015). Collection method: clinical testing. Allele origin: germline. Affected: yes.
Comment: This variant is considered likely benign or benign based on one or more of the following criteria: it is a conservative change, it occurs at a poorly conserved position in the protein, it is predicted to be benign by multiple in silico algorithms, and/or has population frequency not consistent with disease.

Dr. Peter K. Rogan Lab, Western University
No classification provided (evidence only). Condition: Acute myeloid leukemia. Review status: no classification provided. Collection method: in vitro. Allele origin: not applicable. Functional consequence: retained intron. Not counted in ClinVar's aggregate classification.

Dr. Peter K. Rogan Lab, Western University
No classification provided (evidence only). Condition: Acute myeloid leukemia. Review status: no classification provided. Collection method: in vitro. Allele origin: not applicable. Functional consequence: retained intron. Not counted in ClinVar's aggregate classification.

Dr. Peter K. Rogan Lab, Western University
No classification provided (evidence only). Condition: Uterine carcinosarcoma. Review status: no classification provided. Collection method: in vitro. Allele origin: not applicable. Functional consequence: retained intron. Not counted in ClinVar's aggregate classification.

NM_001379210.1(SLC25A26):c.33+231=

Gene: SLC25A26 (solute carrier family 25 member 26; plus strand). Cytogenetic location: 3p14.1.
Variant type: single nucleotide variant.
Coding change: c.33+231= on transcript NM_001379210.1 (MANE Select); 231 bases into the intron after coding-DNA position 33, no change from the reference sequence.
Molecular consequence: intron variant.
Genome position: GRCh38 VCF-style: chr3-66221358-G-G. GRCh37 (hg19) VCF-style: chr3-66271784-C-G.
Other names: c.33+231= (NM_173471.4); c.-319+231= (NM_001350993.1); c.-75+231= (NM_001164796.1).
Identifiers: ClinVar variation 671578 (VCV000671578.2), dbSNP rs36174201.